The following is an entry in ClinVar:

NM_003743.5(NCOA1):c.1923C>T (p.Ala641=)

Gene: NCOA1 (nuclear receptor coactivator 1; plus strand). Cytogenetic location: 2p23.3.
Variant type: single nucleotide variant.
Coding change: c.1923C>T on transcript NM_003743.5 (MANE Select); coding-DNA position 1923, C replaced by T.
Protein change: p.Ala641=; no amino-acid change (alanine 641 retained).
Molecular consequence: synonymous variant.
Genome position (GRCh38, 1-based): chr2:24,707,393, C>T. VCF-style: chr2-24707393-C-T. GRCh37 (hg19) VCF-style: chr2-24930262-C-T.
Other names: c.1923C>T (NM_003743.4); c.1923C>T, p.Ala641= (NM_001362950.1, NM_001362952.1, NM_001362954.1 and 3 more transcripts).
Identifiers: ClinVar variation 2650721 (VCV002650721.25), dbSNP rs41281515, ClinGen allele CA1552329.

ClinVar aggregate classification (germline): Likely benign. Review status: criteria provided, single submitter (1 of 4 stars). 2 submissions from 2 submitters: Likely benign (1). 1 of the submissions does not count toward it. Last evaluated 2022-10-01.

Conditions:
NCOA1-related disorder. Also called: NCOA1-related condition.

Allele frequency attached by ClinVar (database versions not stated): 1000 Genomes Project 30x 0.00094; 1000 Genomes Project 0.00120; ExAC 0.00364; TOPMed 0.00395; gnomAD 0.00420; ESP Exome Variant Server 0.00500; gnomAD exomes 0.00713.

Submissions (2):

CeGaT Center for Human Genetics Tuebingen
Classification: Likely benign. Last evaluated: 2022-10-01. Review status: criteria provided, single submitter. Criteria: CeGaT Center For Human Genetics Tuebingen Variant Classification Criteria Version 2. Collection method: clinical testing. Allele origin: germline. Affected: yes. Observed: 1 variant allele.
Comment: NCOA1: BP4, BP7

PreventionGenetics, part of Exact Sciences
Classification: Likely benign for NCOA1-related condition. Last evaluated: 2024-08-21. Review status: no assertion criteria provided. Collection method: clinical testing. Allele origin: germline. Not counted in ClinVar's aggregate classification.
Comment: This variant is classified as likely benign based on ACMG/AMP sequence variant interpretation guidelines (Richards et al. 2015 PMID: 25741868, with internal and published modifications).